The following is an entry in ClinVar:

NM_001267550.2(TTN):c.22361G>A (p.Arg7454Lys)

Gene: TTN (titin; minus strand). Cytogenetic location: 2q31.2.
Variant type: single nucleotide variant.
Coding change: c.22361G>A on transcript NM_001267550.2 (MANE Select); coding-DNA position 22361, G replaced by A.
Protein change: p.Arg7454Lys; replaces arginine 7454 with lysine.
Molecular consequence: missense variant. On other transcripts: intron variant (3).
Genome position (GRCh38, 1-based): chr2:178,722,426, C>T on the plus strand (G>A on the coding strand, the complement: TTN is on the minus strand). VCF-style: chr2-178722426-C-T. GRCh37 (hg19) VCF-style: chr2-179587153-C-T.
Other names: c.18629G>A, p.Arg6210Lys (NM_133378.4); c.21410G>A, p.Arg7137Lys (NM_001256850.1); c.13282+15656G>A (NM_003319.4); c.13858+15656G>A (NM_133437.4); c.13657+15656G>A (NM_133432.3); short protein forms R6210K, R7454K, R7137K.
Identifiers: ClinVar variation 178817 (VCV000178817.5), dbSNP rs727504464, ClinGen allele CA183093.

ClinVar aggregate classification (germline): Uncertain significance (1 of 4 stars; one submission).

Allele frequency attached by ClinVar (database versions not stated): gnomAD exomes below 0.00001 and 0.00001.
gnomAD v4.1: 8 of 1,613,454 alleles (0.0005%); highest among the groups gnomAD compares: Non-Finnish European, 0.00068%; no homozygotes.

Submission:

Laboratory for Molecular Medicine, Mass General Brigham Personalized Medicine
Classification: Uncertain significance. Last evaluated: 2015-07-15. Review status: criteria provided, single submitter. Criteria: LMM Criteria. Collection method: clinical testing. Allele origin: germline. Observed: 1 variant allele.
Comment: proposed classification - variant undergoing re-assessment, contact laboratory